The following is an entry in ClinVar:

NM_130384.3(ATRIP):c.911G>C (p.Arg304Thr)

Genes: ATRIP (ATR interacting protein; plus strand), ATRIP-TREX1 (ATRIP-TREX1 readthrough; plus strand). Cytogenetic location: 3p21.31.
Variant type: single nucleotide variant.
Coding change: c.911G>C on transcript NM_130384.3 (MANE Select); coding-DNA position 911, G replaced by C.
Protein change: p.Arg304Thr; replaces arginine 304 with threonine.
Molecular consequence: missense variant. On other transcripts: non-coding transcript variant (1).
Genome position (GRCh38, 1-based): chr3:48,459,440, G>C. VCF-style: chr3-48459440-G-C. GRCh37 (hg19) VCF-style: chr3-48500839-G-C.
Other names: c.530G>C, p.Arg177Thr (NM_001271022.2); c.632G>C, p.Arg211Thr (NM_001271023.2); c.911G>C, p.Arg304Thr (NM_032166.4); short protein forms R177T, R211T, R304T.
Identifiers: ClinVar variation 4644536 (VCV004644536.1).

ClinVar aggregate classification (germline): Uncertain significance (1 of 4 stars; one submission).

Submission:

Ambry Genetics
Classification: Uncertain significance. Last evaluated: 2025-10-11. Review status: criteria provided, single submitter. Criteria: Ambry Variant Classification Scheme 2023. Collection method: clinical testing. Allele origin: germline.
Comment: The p.R304T variant (also known as c.911G>C), located in coding exon 6 of the ATRIP gene, results from a G to C substitution at nucleotide position 911. The arginine at codon 304 is replaced by threonine, an amino acid with similar properties. This amino acid position is conserved. In addition, this alteration is predicted to be tolerated by in silico analysis. Based on the available evidence, the clinical significance of this variant remains unclear.